The following is an entry in ClinVar:

NM_006129.5(BMP1):c.2233+1G>C

Gene: BMP1 (bone morphogenetic protein 1; plus strand). Cytogenetic location: 8p21.3.
Variant type: single nucleotide variant.
Coding change: c.2233+1G>C on transcript NM_006129.5 (MANE Select); the canonical splice donor site of the intron after coding-DNA position 2233, G replaced by C.
Molecular consequence: splice donor variant.
Genome position (GRCh38, 1-based): chr8:22,201,929, G>C. VCF-style: chr8-22201929-G-C. GRCh37 (hg19) VCF-style: chr8-22059442-G-C.
Identifiers: ClinVar variation 2999978 (VCV002999978.3), dbSNP rs754100023, ClinGen allele CA4665158.

ClinVar aggregate classification (germline): Likely pathogenic (1 of 4 stars; one submission).

Allele frequency attached by ClinVar (database versions not stated): gnomAD exomes below 0.00001; ExAC 0.00001.
gnomAD v4.1: 1 of 1,610,930 alleles (0.000062%); no homozygotes.

Submission:

Labcorp Genetics (formerly Invitae), Labcorp
Classification: Likely pathogenic. Last evaluated: 2023-08-14. Review status: criteria provided, single submitter. Criteria: Invitae Variant Classification Sherloc (09022015). Collection method: clinical testing. Allele origin: germline.
Comment: This sequence change affects a donor splice site in intron 16 of the BMP1 gene. It is expected to disrupt RNA splicing. Variants that disrupt the donor or acceptor splice site typically lead to a loss of protein function (PMID: 16199547), and loss-of-function variants in BMP1 are known to be pathogenic (PMID: 25656619, 27576954, 28257626). This variant is present in population databases (rs754100023, gnomAD 0.005%). This variant has not been reported in the literature in individuals affected with BMP1-related conditions. Algorithms developed to predict the effect of sequence changes on RNA splicing suggest that this variant may disrupt the consensus splice site. In summary, the currently available evidence indicates that the variant is pathogenic, but additional data are needed to prove that conclusively. Therefore, this variant has been classified as Likely Pathogenic.

Literature cited by the submitters: PubMed 16199547; PubMed 25656619; PubMed 27576954; PubMed 28257626.